The following is an entry in ClinVar:

ClinVar aggregate classification (germline): Uncertain significance (1 of 4 stars; one submission).

Conditions:
Bardet-Biedl syndrome (BBS). Identifiers: Orphanet 110, MedGen C0752166, MONDO:0015229.

Allele frequency attached by ClinVar (database versions not stated): gnomAD exomes below 0.00001.
gnomAD v4.1: 1 of 1,610,340 alleles (0.000062%); highest among the groups gnomAD compares: Non-Finnish European, 0.000085%; no homozygotes.

Submission:

Labcorp Genetics (formerly Invitae), Labcorp
Classification: Uncertain significance for Bardet-Biedl syndrome. Last evaluated: 2022-05-13. Review status: criteria provided, single submitter. Criteria: Invitae Variant Classification Sherloc (09022015). Collection method: clinical testing. Allele origin: germline.
Comment: In summary, the available evidence is currently insufficient to determine the role of this variant in disease. Therefore, it has been classified as a Variant of Uncertain Significance. Algorithms developed to predict the effect of missense changes on protein structure and function are either unavailable or do not agree on the potential impact of this missense change (SIFT: "Deleterious"; PolyPhen-2: "Possibly Damaging"; Align-GVGD: "Class C0"). This variant has not been reported in the literature in individuals affected with TTC8-related conditions. This variant is not present in population databases (gnomAD no frequency). This sequence change replaces serine, which is neutral and polar, with phenylalanine, which is neutral and non-polar, at codon 465 of the TTC8 protein (p.Ser465Phe).

NM_144596.4(TTC8):c.1424C>T (p.Ser475Phe)

Gene: TTC8 (tetratricopeptide repeat domain 8; plus strand). Cytogenetic location: 14q31.3.
Variant type: single nucleotide variant.
Coding change: c.1424C>T on transcript NM_144596.4 (MANE Select); coding-DNA position 1424, C replaced by T.
Protein change: p.Ser475Phe; replaces serine 475 with phenylalanine.
Molecular consequence: missense variant. On other transcripts: non-coding transcript variant (1), intron variant (2).
Genome position (GRCh38, 1-based): chr14:88,875,102, C>T. VCF-style: chr14-88875102-C-T. GRCh37 (hg19) VCF-style: chr14-89341446-C-T.
Other names: c.1472C>T, p.Ser491Phe (NM_001288781.1); c.830C>T, p.Ser277Phe (NM_001288782.1); c.707C>T, p.Ser236Phe (NM_001288783.1); c.1394C>T, p.Ser465Phe (NM_198309.3); c.1304C>T, p.Ser435Phe (NM_198310.3); c.1318-2192C>T (NM_001366535.2); c.1228-2192C>T (NM_001366536.2); short protein forms S236F, S435F, S475F, S465F, S491F, S277F.
Identifiers: ClinVar variation 1947426 (VCV001947426.5), dbSNP rs2546243153, ClinGen allele CA390554237.